The following is an entry in ClinVar:

ClinVar aggregate classification (germline): Uncertain significance (1 of 4 stars; one submission).

Conditions:
SPG11-related disorder. Also called: SPG11-related condition.

gnomAD v4.1: 2 of 1,613,436 alleles (0.00012%); highest among the groups gnomAD compares: African/African-American, 0.0013%; no homozygotes.

Submission:

PreventionGenetics, part of Exact Sciences
Classification: Uncertain significance for SPG11-related condition. Last evaluated: 2026-03-27. Review status: criteria provided, single submitter. Criteria: ACMG Guidelines, 2015. Collection method: clinical testing. Allele origin: germline.
Comment: The SPG11 c.2040C>A variant is predicted to result in the amino acid substitution p.Ser680Arg. To our knowledge, this variant has not been reported in the literature or in a large population database (gnomAD), indicating this variant is rare. At this time, the clinical significance of this variant is uncertain due to the absence of conclusive functional and genetic evidence.

NM_025137.4(SPG11):c.2040C>A (p.Ser680Arg)

Gene: SPG11 (SPG11 vesicle trafficking associated, spatacsin; minus strand). Cytogenetic location: 15q21.1.
Variant type: single nucleotide variant.
Coding change: c.2040C>A on transcript NM_025137.4 (MANE Select); coding-DNA position 2040, C replaced by A.
Protein change: p.Ser680Arg; replaces serine 680 with arginine.
Molecular consequence: missense variant.
Genome position (GRCh38, 1-based): chr15:44,628,696, G>T on the plus strand (C>A on the coding strand, the complement: SPG11 is on the minus strand). VCF-style: chr15-44628696-G-T. GRCh37 (hg19) VCF-style: chr15-44920894-G-T.
Other names: c.2040C>A, p.Ser680Arg (NM_001160227.2, NM_001411132.1); short protein forms S680R.
Identifiers: ClinVar variation 4989684 (VCV004989684.1).
Genomic context (GRCh38, chr15:44,628,696, plus strand): 5'-CAAATAAAAGAAGTGATGATTATTCGTACTTACCTCAAAGCTGAGTTTCTTCCATATATT[G>T]CTCTCCTTTACTTTGGGGACATTTTCATGTACATCATATTCATCTATAGCATCTGTTAGC-3'
Protein context (NP_079413.3, residues 670-690): VHENVPKVKE[Ser680Arg]NIWKKLSFEE